The following is an entry in ClinVar:

ClinVar aggregate classification (germline): Benign (1 of 4 stars; one submission).

Allele frequency attached by ClinVar (database versions not stated): 1000 Genomes Project 30x 0.57357; TOPMed 0.60351; 1000 Genomes Project 0.57881; gnomAD 0.61940.

Submission:

GeneDx
Classification: Benign. Last evaluated: 2018-06-14. Review status: criteria provided, single submitter. Criteria: GeneDx Variant Classification (06012015). Collection method: clinical testing. Allele origin: germline. Affected: yes.
Comment: This variant is considered likely benign or benign based on one or more of the following criteria: it is a conservative change, it occurs at a poorly conserved position in the protein, it is predicted to be benign by multiple in silico algorithms, and/or has population frequency not consistent with disease.

NM_001079855.2(GYG2):c.837+216G>A

Gene: GYG2 (glycogenin 2; plus strand). Cytogenetic location: Xp22.33.
Variant type: single nucleotide variant.
Coding change: c.837+216G>A on transcript NM_001079855.2 (MANE Select); 216 bases into the intron after coding-DNA position 837, G replaced by A.
Molecular consequence: intron variant.
Genome position (GRCh38, 1-based): chrX:2,860,281, G>A. VCF-style: chrX-2860281-G-A. GRCh37 (hg19) VCF-style: chrX-2778322-G-A.
Other names: c.930+216G>A (NM_003918.3, NM_001184703.2); c.837+216G>A (NM_001184702.2); c.372+216G>A (NM_001184704.2).
Identifiers: ClinVar variation 684126 (VCV000684126.1), dbSNP rs5939134, ClinGen allele CA15000493.